The following is an entry in ClinVar:

NM_024529.5(CDC73):c.1502A>C (p.Tyr501Ser)

Gene: CDC73 (cell division cycle 73; plus strand). Cytogenetic location: 1q31.2.
Variant type: single nucleotide variant.
Coding change: c.1502A>C on transcript NM_024529.5 (MANE Select); coding-DNA position 1502, A replaced by C.
Protein change: p.Tyr501Ser; replaces tyrosine 501 with serine.
Molecular consequence: missense variant.
Genome position (GRCh38, 1-based): chr1:193,249,814, A>C. VCF-style: chr1-193249814-A-C. GRCh37 (hg19) VCF-style: chr1-193218944-A-C.
Other names: short protein forms Y501S.
Identifiers: ClinVar variation 4868372 (VCV004868372.1).
Genomic context (GRCh38, chr1:193,249,814, plus strand): 5'-ATGAAGTTCGTCTGGATCCAAATGTTCAGAAATGGGATGTAACAGTATTAGAACTCAGCT[A>C]TCACAAACGTCATTTGGATAGACCAGTGTTCTTACGGTTTTGGGAAACATTGGACAGGTA-3'
Protein context (NP_078805.3, residues 491-511): KWDVTVLELS[Tyr501Ser]HKRHLDRPVF

ClinVar aggregate classification (germline): Uncertain significance (1 of 4 stars; one submission).

Conditions:
Hereditary cancer-predisposing syndrome. Also called: Neoplastic Syndromes, Hereditary; Tumor predisposition; Hereditary Cancer Syndrome; Hereditary neoplastic syndrome. Identifiers: Orphanet 140162, MedGen C0027672, MeSH D009386, MONDO:0015356.

Submission:

Ambry Genetics
Classification: Uncertain significance for Hereditary cancer-predisposing syndrome. Last evaluated: 2026-06-13. Review status: criteria provided, single submitter. Criteria: Ambry Variant Classification Scheme 2023. Collection method: clinical testing. Allele origin: germline.
Comment: The p.Y501S variant (also known as c.1502A>C), located in coding exon 16 of the CDC73 gene, results from an A to C substitution at nucleotide position 1502. The tyrosine at codon 501 is replaced by serine, an amino acid with dissimilar properties. This amino acid position is conserved. In addition, this alteration is predicted to be tolerated by in silico analysis. Based on the available evidence, the clinical significance of this variant remains unclear.